The following is an entry in ClinVar:

ClinVar aggregate classification (germline): Benign. Review status: criteria provided, multiple submitters, no conflicts (2 of 4 stars). 4 submissions from 4 submitters: Benign (4). Last evaluated 2026-01-31.

Conditions:
Fraser syndrome 2 (FRASRS2). Identifiers: MedGen C4540036, MONDO:0054738, OMIM 617666.

Allele frequency attached by ClinVar (database versions not stated): ExAC 0.00246; 1000 Genomes Project 0.00599; 1000 Genomes Project 30x 0.00640; gnomAD 0.00699 and 0.00747; TOPMed 0.00753; ESP Exome Variant Server 0.00976.
gnomAD v4.1: 1,979 of 1,613,890 alleles (0.12%); highest among the groups gnomAD compares: African/African-American, 2.4%; 31 homozygotes.

Submissions (4):

Labcorp Genetics (formerly Invitae), Labcorp
Classification: Benign. Last evaluated: 2026-01-31. Review status: criteria provided, single submitter. Criteria: Invitae Variant Classification Sherloc (09022015). Collection method: clinical testing. Allele origin: germline.

Illumina Laboratory Services, Illumina
Classification: Benign for Fraser syndrome 2. Last evaluated: 2018-01-12. Review status: criteria provided, single submitter. Criteria: ICSL Variant Classification Criteria 13 December 2019. Collection method: clinical testing. Allele origin: germline.
Comment: This variant was observed in the ICSL laboratory as part of a predisposition screen in an ostensibly healthy population. It had not been previously curated by ICSL or reported in the Human Gene Mutation Database (HGMD: prior to June 1st, 2018), and was therefore a candidate for classification through an automated scoring system. Utilizing variant allele frequency, disease prevalence and penetrance estimates, and inheritance mode, an automated score was calculated to assess if this variant is too frequent to cause the disease. Based on the score and internal cut-off values, a variant classified as benign is not then subjected to further curation. The score for this variant resulted in a classification of benign for this disease.

Center for Pediatric Genomic Medicine, Children's Mercy Hospital and Clinics
Classification: Benign. Last evaluated: 2015-08-26. Review status: criteria provided, single submitter. Criteria: ACMG Guidelines, 2015. Collection method: clinical testing. Allele origin: germline.

Breakthrough Genomics
Classification: Benign. Review status: criteria provided, single submitter. Criteria: ACMG Guidelines, 2015. Collection method: not provided. Allele origin: germline. Inheritance: Autosomal recessive inheritance. Affected: yes.

NM_207361.6(FREM2):c.1188G>C (p.Gln396His)

Gene: FREM2 (FRAS1 related extracellular matrix 2; plus strand). Cytogenetic location: 13q13.3.
Variant type: single nucleotide variant.
Coding change: c.1188G>C on transcript NM_207361.6 (MANE Select); coding-DNA position 1188, G replaced by C.
Protein change: p.Gln396His; replaces glutamine 396 with histidine.
Molecular consequence: missense variant.
Genome position (GRCh38, 1-based): chr13:38,688,532, G>C. VCF-style: chr13-38688532-G-C. GRCh37 (hg19) VCF-style: chr13-39262669-G-C.
Other names: short protein forms Q396H.
Identifiers: ClinVar variation 235731 (VCV000235731.15), dbSNP rs61997174, ClinGen allele CA6954358.
Genomic context (GRCh38, chr13:38,688,532, plus strand): 5'-CAGCCTGCCCCTTTCCTCCTTCACTCAGAGGGATCTGCGGCTCCTGAAGATTGCCTACCA[G>C]CCCCCTTCTGAAGACTCTGACCAGGAGCGCCTCTTTGAACTGGAATTGGAGGTAGTGGAT-3'
Protein context (NP_997244.4, residues 386-406): RDLRLLKIAY[Gln396His]PPSEDSDQER